The following is an entry in ClinVar:

NM_001849.4(COL6A2):c.1877T>C (p.Ile626Thr)

Gene: COL6A2 (collagen type VI alpha 2 chain; plus strand). Cytogenetic location: 21q22.3.
Variant type: single nucleotide variant.
Coding change: c.1877T>C on transcript NM_001849.4 (MANE Select); coding-DNA position 1877, T replaced by C.
Protein change: p.Ile626Thr; replaces isoleucine 626 with threonine.
Molecular consequence: missense variant.
Genome position (GRCh38, 1-based): chr21:46,125,525, T>C. VCF-style: chr21-46125525-T-C. GRCh37 (hg19) VCF-style: chr21-47545439-T-C.
Other names: c.1877T>C, p.Ile626Thr (NM_058174.3, NM_058175.3); c.1877T>C (NM_001849.3); short protein forms I626T.
Identifiers: ClinVar variation 1379157 (VCV001379157.12), dbSNP rs766374821, ClinGen allele CA10072317.

ClinVar aggregate classification (germline): Uncertain significance. Review status: criteria provided, multiple submitters, no conflicts (2 of 4 stars). 4 submissions from 4 submitters: Uncertain significance (4). Last evaluated 2024-12-23.

Conditions:
Inborn genetic diseases. Identifiers: MedGen C0950123, MeSH D030342.
Bethlem myopathy 1A. Also called: Bethlem Muscular Dystrophy; Bethlem myopathy 1; MYOPATHY, BENIGN CONGENITAL, WITH CONTRACTURES. Identifiers: Orphanet 610, MedGen CN029274, MONDO:0024530, OMIM 158810.

Allele frequency attached by ClinVar (database versions not stated): gnomAD 0.00001; ExAC 0.00002; gnomAD exomes 0.00002; TOPMed 0.00002.
gnomAD v4.1: 28 of 1,612,796 alleles (0.0017%); highest among the groups gnomAD compares: South Asian, 0.0022%; no homozygotes.

Submissions (4):

Labcorp Genetics (formerly Invitae), Labcorp
Classification: Uncertain significance for Bethlem myopathy 1A. Last evaluated: 2024-12-23. Review status: criteria provided, single submitter. Criteria: Invitae Variant Classification Sherloc (09022015). Collection method: clinical testing. Allele origin: germline.
Comment: This sequence change replaces isoleucine, which is neutral and non-polar, with threonine, which is neutral and polar, at codon 626 of the COL6A2 protein (p.Ile626Thr). This variant is present in population databases (rs766374821, gnomAD 0.02%). This variant has not been reported in the literature in individuals affected with COL6A2-related conditions. ClinVar contains an entry for this variant (Variation ID: 1379157). Invitae Evidence Modeling of protein sequence and biophysical properties (such as structural, functional, and spatial information, amino acid conservation, physicochemical variation, residue mobility, and thermodynamic stability) has been performed for this missense variant. However, the output from this modeling did not meet the statistical confidence thresholds required to predict the impact of this variant on COL6A2 protein function. In summary, the available evidence is currently insufficient to determine the role of this variant in disease. Therefore, it has been classified as a Variant of Uncertain Significance.

Ambry Genetics
Classification: Uncertain significance for Inborn genetic diseases. Last evaluated: 2024-08-27. Review status: criteria provided, single submitter. Criteria: Ambry Variant Classification Scheme 2023. Collection method: clinical testing. Allele origin: germline.

Revvity Omics, Revvity
Classification: Uncertain significance. Last evaluated: 2023-04-25. Review status: criteria provided, single submitter. Criteria: ACMG Guidelines, 2015. Collection method: clinical testing. Allele origin: germline.

Blueprint Genetics
Classification: Uncertain significance. Last evaluated: 2019-02-08. Review status: criteria provided, single submitter. Criteria: ACMG Guidelines, 2015. Collection method: clinical testing. Allele origin: germline.